The following is an entry in ClinVar:

ClinVar aggregate classification (germline): Uncertain significance (1 of 4 stars; one submission).

Allele frequency attached by ClinVar (database versions not stated): gnomAD 0.00001; TOPMed 0.00002.
gnomAD v4.1: 1 of 1,611,398 alleles (0.000062%); highest among the groups gnomAD compares: Non-Finnish European, 0.000085%; no homozygotes.

Submission:

Labcorp Genetics (formerly Invitae), Labcorp
Classification: Uncertain significance. Last evaluated: 2022-03-20. Review status: criteria provided, single submitter. Criteria: Invitae Variant Classification Sherloc (09022015). Collection method: clinical testing. Allele origin: germline.
Comment: In summary, the available evidence is currently insufficient to determine the role of this variant in disease. Therefore, it has been classified as a Variant of Uncertain Significance. Algorithms developed to predict the effect of missense changes on protein structure and function (SIFT, PolyPhen-2, Align-GVGD) all suggest that this variant is likely to be tolerated. This variant has not been reported in the literature in individuals affected with NDUFB3-related conditions. This variant is present in population databases (rs778982161, gnomAD no frequency). This sequence change replaces histidine, which is basic and polar, with proline, which is neutral and non-polar, at codon 7 of the NDUFB3 protein (p.His7Pro).

NM_002491.3(NDUFB3):c.20A>C (p.His7Pro)

Gene: NDUFB3 (NADH:ubiquinone oxidoreductase subunit B3; plus strand). Cytogenetic location: 2q33.1.
Variant type: single nucleotide variant.
Coding change: c.20A>C on transcript NM_002491.3 (MANE Select); coding-DNA position 20, A replaced by C.
Protein change: p.His7Pro; replaces histidine 7 with proline.
Molecular consequence: missense variant.
Genome position (GRCh38, 1-based): chr2:201,078,902, A>C. VCF-style: chr2-201078902-A-C. GRCh37 (hg19) VCF-style: chr2-201943625-A-C.
Other names: c.20A>C, p.His7Pro (NM_001257102.2); short protein forms H7P.
Identifiers: ClinVar variation 1979088 (VCV001979088.4), dbSNP rs778982161, ClinGen allele CA63864245.
Genomic context (GRCh38, chr2:201,078,902, plus strand): 5'-TTTGCATATTTCTCACTTGTGTTAATCTTTTCCTTACAGACATGGCCCATGAACATGGAC[A>C]TGAGCATGGACATCATAAAATGGAACTTCCAGATTATAGACAATGGAAGATAGAAGGGAC-3'
Protein context (NP_002482.1, residues 1-17): MAHEHG[His7Pro]EHGHHKMELP